The following is an entry in ClinVar:

NM_001320.7(CSNK2B):c.105dup (p.Leu36fs)

Gene: CSNK2B (casein kinase 2 beta; plus strand). Cytogenetic location: 6p21.33.
Variant type: Duplication.
Coding change: c.105dup on transcript NM_001320.7 (MANE Select); coding-DNA position 105, one base duplicated (T; older notation c.105dupT).
Protein change: p.Leu36fs; shifts the reading frame from leucine 36.
Molecular consequence: frameshift variant.
Genome position (GRCh38, 1-based): chr6:31,667,900, T duplicated. VCF-style (leftmost placement, unchanged base first): chr6-31667899-A-AT. GRCh37 (hg19) VCF-style: chr6-31635676-A-AT.
Other names: c.105dupT (NM_001320.6); c.105dup, p.Leu36fs (NM_001282385.2); short protein forms L36fs.
Identifiers: ClinVar variation 504210 (VCV000504210.2), dbSNP rs1554169990, ClinGen allele CA658796732.
Genomic context (GRCh38, chr6:31,667,899, plus strand): 5'-GTTCCCTCTTGGCTTCCATGTCCTGACAGGTGGATGAAGACTACATCCAGGACAAATTTA[A>AT]TCTTACTGGACTCAATGAGCAGGTCCCTCACTATCGACAAGCTCTAGACATGATCTTGGA-3'

ClinVar aggregate classification (germline): Pathogenic (1 of 4 stars; one submission).

Submission:

GeneDx
Classification: Pathogenic. Last evaluated: 2018-02-15. Review status: criteria provided, single submitter. Criteria: GeneDx Variant Classification (06012015). Collection method: clinical testing. Allele origin: germline. Affected: yes.
Comment: The c.105dupT variant in the CSNK2B gene has not been reported previously as a pathogenic variant nor as a benign variant, to our knowledge. The c.105dupT variant causes a frameshift starting with codon Leucine 36, changes this amino acid to a Serine residue, and creates a premature Stop codon at position 6 of the new reading frame, denoted p.Leu36SerfsX6. This variant is predicted to cause loss of normal protein function either through protein truncation or nonsense-mediated mRNA decay. The c.105dupT variant is not observed in large population cohorts (Lek et al., 2016). We interpret c.105dupT as a pathogenic variant.